The following is an entry in ClinVar:

ClinVar aggregate classification (germline): Uncertain significance (1 of 4 stars; one submission).

gnomAD v4.1: 1 of 1,613,996 alleles (0.000062%); highest among the groups gnomAD compares: Non-Finnish European, 0.000085%; no homozygotes.

Submission:

Labcorp Genetics (formerly Invitae), Labcorp
Classification: Uncertain significance. Last evaluated: 2021-09-29. Review status: criteria provided, single submitter. Criteria: Invitae Variant Classification Sherloc (09022015). Collection method: clinical testing. Allele origin: germline.
Comment: In summary, the available evidence is currently insufficient to determine the role of this variant in disease. Therefore, it has been classified as a Variant of Uncertain Significance. Algorithms developed to predict the effect of missense changes on protein structure and function output the following: SIFT: "Tolerated"; PolyPhen-2: "Benign"; Align-GVGD: "Class C0". The serine amino acid residue is found in multiple mammalian species, which suggests that this missense change does not adversely affect protein function. This variant has not been reported in the literature in individuals affected with PITPNM3-related conditions. This variant is not present in population databases (ExAC no frequency). This sequence change replaces proline with serine at codon 608 of the PITPNM3 protein (p.Pro608Ser). The proline residue is moderately conserved and there is a moderate physicochemical difference between proline and serine.

NM_031220.4(PITPNM3):c.1822C>T (p.Pro608Ser)

Gene: PITPNM3 (PITPNM family member 3; minus strand). Cytogenetic location: 17p13.2.
Variant type: single nucleotide variant.
Coding change: c.1822C>T on transcript NM_031220.4 (MANE Select); coding-DNA position 1822, C replaced by T.
Protein change: p.Pro608Ser; replaces proline 608 with serine.
Molecular consequence: missense variant.
Genome position (GRCh38, 1-based): chr17:6,468,293, G>A on the plus strand (C>T on the coding strand, the complement: PITPNM3 is on the minus strand). VCF-style: chr17-6468293-G-A. GRCh37 (hg19) VCF-style: chr17-6371613-G-A.
Other names: c.1714C>T, p.Pro572Ser (NM_001165966.2); short protein forms P572S, P608S.
Identifiers: ClinVar variation 1521826 (VCV001521826.6), dbSNP rs2150721957, ClinGen allele CA397404348.
Genomic context (GRCh38, chr17:6,468,293, plus strand): 5'-TGACCTGAGTCCGCTTACGAAGCCACTTCTCCCGGGGGTTGGCAGGACTCAGTGCTGCAG[G>A]GTCCAGGCGGGCGCTTTCCTTGATGTTCACGCTCTCATAGCGCATTACCTAGCCAAGAGC-3'
Protein context (NP_112497.2, residues 598-618): VNIKESARLD[Pro608Ser]AALSPANPRE